The following is an entry in ClinVar:

NM_005359.6(SMAD4):c.1140-2del

Gene: SMAD4 (SMAD family member 4; plus strand). Cytogenetic location: 18q21.2.
Variant type: Deletion.
Coding change: c.1140-2del on transcript NM_005359.6 (MANE Select); the canonical splice acceptor site of the intron before coding-DNA position 1140, one base deleted (A; older notation c.1140-2delA).
Molecular consequence: splice acceptor variant.
Genome position (GRCh38, 1-based): chr18:51,067,017, A deleted; the last of 2 consecutive A bases (chr18:51,067,016-51,067,017); deleting either gives the same sequence. VCF-style (leftmost placement, unchanged base first): chr18-51067015-TA-T. GRCh37 (hg19) VCF-style: chr18-48593385-TA-T.
Other names: c.1140-2del (NM_001407042.1, NM_001407041.1).
Identifiers: ClinVar variation 3238387 (VCV003238387.1), dbSNP rs2144451619.

ClinVar aggregate classification (germline): Uncertain significance (1 of 4 stars; one submission).

Conditions:
Hereditary cancer-predisposing syndrome. Also called: Neoplastic Syndromes, Hereditary; Tumor predisposition; Hereditary neoplastic syndrome; Hereditary Cancer Syndrome. Identifiers: Orphanet 140162, MedGen C0027672, MeSH D009386, MONDO:0015356.
Familial thoracic aortic aneurysm and aortic dissection (TAAD). Also called: Thoracic aortic aneurysms and dissections. Identifiers: Orphanet 91387, MedGen C4707243, MONDO:0019625.

Submission:

Ambry Genetics
Classification: Uncertain significance for Hereditary cancer-predisposing syndrome; Familial thoracic aortic aneurysm and aortic dissection. Last evaluated: 2024-02-28. Review status: criteria provided, single submitter. Criteria: Ambry Variant Classification Scheme 2023. Collection method: clinical testing. Allele origin: germline.
Comment: The c.1140-2delA intronic variant is located 2 nucleotide(s) before coding exon 9 in the SMAD4 gene. This variant results from a deletion of 1 nucleotide at positions c.1140-2. This variant does not change the sequence of the canonical acceptor at this splice site. This nucleotide position is highly conserved in available vertebrate species. In silico splice site analysis predicts that this alteration will not have any significant effect on splicing. Based on the available evidence, the clinical significance of this alteration remains unclear.